The following is an entry in ClinVar:

NM_004525.3(LRP2):c.9282C>T (p.Cys3094=)

Gene: LRP2 (LDL receptor related protein 2; minus strand). Cytogenetic location: 2q31.1.
Variant type: single nucleotide variant.
Coding change: c.9282C>T on transcript NM_004525.3 (MANE Select); coding-DNA position 9282, C replaced by T.
Protein change: p.Cys3094=; no amino-acid change (cysteine 3094 retained).
Molecular consequence: synonymous variant.
Genome position (GRCh38, 1-based): chr2:169,188,016, G>A on the plus strand (C>T on the coding strand, the complement: LRP2 is on the minus strand). VCF-style: chr2-169188016-G-A. GRCh37 (hg19) VCF-style: chr2-170044526-G-A.
Identifiers: ClinVar variation 723821 (VCV000723821.34), dbSNP rs34813328, ClinGen allele CA1953625.

ClinVar aggregate classification (germline): Benign/Likely benign. Review status: criteria provided, multiple submitters, no conflicts (2 of 4 stars). 4 submissions from 4 submitters: Benign (2); Likely benign (2). Last evaluated 2026-01-25.

Allele frequency attached by ClinVar (database versions not stated): gnomAD exomes 0.00032 and 0.00084; ExAC 0.00101; 1000 Genomes Project 30x 0.00187; 1000 Genomes Project 0.00220; gnomAD 0.00261 and 0.00281; TOPMed 0.00305; ESP Exome Variant Server 0.00323.

Submissions (4):

Labcorp Genetics (formerly Invitae), Labcorp
Classification: Benign. Last evaluated: 2026-01-25. Review status: criteria provided, single submitter. Criteria: Invitae Variant Classification Sherloc (09022015). Collection method: clinical testing. Allele origin: germline.

Blueprint Genetics
Classification: Likely benign. Last evaluated: 2024-11-11. Review status: criteria provided, single submitter. Criteria: ACMG Guidelines, 2015. Collection method: clinical testing. Allele origin: germline.

CeGaT Center for Human Genetics Tuebingen
Classification: Likely benign. Last evaluated: 2022-10-01. Review status: criteria provided, single submitter. Criteria: CeGaT Center For Human Genetics Tuebingen Variant Classification Criteria Version 2. Collection method: clinical testing. Allele origin: germline. Affected: yes. Observed: 1 variant allele.
Comment: LRP2: BP4, BP7

Breakthrough Genomics
Classification: Benign. Review status: criteria provided, single submitter. Criteria: ACMG Guidelines, 2015. Collection method: not provided. Allele origin: germline. Inheritance: Autosomal recessive inheritance. Affected: yes.